The following is an entry in ClinVar:

NM_058004.4(PI4KA):c.1821-26G>A

Gene: PI4KA (phosphatidylinositol 4-kinase alpha; minus strand). Cytogenetic location: 22q11.21.
Variant type: single nucleotide variant.
Coding change: c.1821-26G>A on transcript NM_058004.4 (MANE Select); 26 bases into the intron before coding-DNA position 1821, G replaced by A.
Molecular consequence: intron variant.
Genome position (GRCh38, 1-based): chr22:20,799,302, C>T on the plus strand (G>A on the coding strand, the complement: PI4KA is on the minus strand). VCF-style: chr22-20799302-C-T. GRCh37 (hg19) VCF-style: chr22-21153590-C-T.
Other names: c.1755-26G>A (NM_001362863.2); c.1821-26G>A (NM_001362862.2).
Identifiers: ClinVar variation 1276368 (VCV001276368.6), dbSNP rs165758, ClinGen allele CA10116330.

ClinVar aggregate classification (germline): Benign. Review status: criteria provided, multiple submitters, no conflicts (2 of 4 stars). 4 submissions from 4 submitters: Benign (4). Last evaluated 2024-01-24.

Conditions:
Polymicrogyria, perisylvian, with cerebellar hypoplasia and arthrogryposis (NEDSPLB). Identifiers: MedGen C4225295, MONDO:0014679, OMIM 616531.

Allele frequency attached by ClinVar (database versions not stated): gnomAD exomes 0.33265 and 0.35329; ExAC 0.35773; gnomAD 0.38679 and 0.39089; ESP Exome Variant Server 0.39151; TOPMed 0.41427; 1000 Genomes Project 0.41913; 1000 Genomes Project 30x 0.42427.
gnomAD v4.1: 509,157 of 1,503,612 alleles (34%); highest among the groups gnomAD compares: African/African-American, 51%; 88,951 homozygotes.

Submissions (4):

Unidad de Genómica Garrahan, Hospital de Pediatría Garrahan
Classification: Benign. Last evaluated: 2024-01-24. Review status: criteria provided, single submitter. Criteria: ACMG Guidelines, 2015. Collection method: clinical testing. Allele origin: germline. Affected: no. Observed: 59 variant alleles.
Comment: This variant is classified as Benign based on local population frequency. This variant was detected in 62% of patients studied by a panel of primary immunodeficiencies. Number of patients: 59. Only high quality variants are reported.

Genome-Nilou Lab
Classification: Benign for Polymicrogyria, perisylvian, with cerebellar hypoplasia and arthrogryposis. Last evaluated: 2021-09-05. Review status: criteria provided, single submitter. Criteria: ACMG Guidelines, 2015. Collection method: clinical testing. Allele origin: germline. Affected: no.

GeneDx
Classification: Benign. Last evaluated: 2018-07-09. Review status: criteria provided, single submitter. Criteria: GeneDx Variant Classification Process June 2021. Collection method: clinical testing. Allele origin: germline. Affected: yes.

Breakthrough Genomics
Classification: Benign. Review status: criteria provided, single submitter. Criteria: ACMG Guidelines, 2015. Collection method: not provided. Allele origin: germline. Inheritance: Autosomal recessive inheritance. Affected: yes.